The following is an entry in ClinVar:

NM_000051.4(ATM):c.1790C>T (p.Pro597Leu)

Gene: ATM (ATM serine/threonine kinase; plus strand). Cytogenetic location: 11q22.3.
Variant type: single nucleotide variant.
Coding change: c.1790C>T on transcript NM_000051.4 (MANE Select); coding-DNA position 1790, C replaced by T.
Protein change: p.Pro597Leu; replaces proline 597 with leucine.
Molecular consequence: missense variant.
Genome position (GRCh38, 1-based): chr11:108,252,019, C>T. VCF-style: chr11-108252019-C-T. GRCh37 (hg19) VCF-style: chr11-108122746-C-T.
Other names: c.1790C>T, p.Pro597Leu (NM_001351834.2); short protein forms P597L.
Identifiers: ClinVar variation 422797 (VCV000422797.21), dbSNP rs765847854, ClinGen allele CA6264866.

ClinVar aggregate classification (germline): Conflicting classifications of pathogenicity. Review status: criteria provided, conflicting classifications (1 of 4 stars). 5 submissions from 5 submitters: Uncertain significance (3); Likely benign (1). 1 of the submissions does not count toward it. Last evaluated 2025-07-22.

Conditions:
Hereditary cancer-predisposing syndrome. Also called: Hereditary neoplastic syndrome; Hereditary Cancer Syndrome; Neoplastic Syndromes, Hereditary; Tumor predisposition. Identifiers: Orphanet 140162, MedGen C0027672, MeSH D009386, MONDO:0015356.
Ataxia-telangiectasia syndrome (AT). Also called: Ataxia-telangiectasia, complementation group D; Cerebello-oculocutaneous telangiectasia; Immunodeficiency with ataxia telangiectasia; ATAXIA-TELANGIECTASIA, COMPLEMENTATION GROUP A; ATAXIA-TELANGIECTASIA, FRESNO VARIANT; LOUIS-BAR SYNDROME. Identifiers: Orphanet 100, MedGen C0004135, MONDO:0008840, OMIM 208900.

Allele frequency attached by ClinVar (database versions not stated): gnomAD exomes 0.00001; ExAC 0.00002.
gnomAD v4.1: 5 of 1,611,858 alleles (0.00031%); highest among the groups gnomAD compares: Non-Finnish European, 0.00034%; no homozygotes.

Submissions (5):

Labcorp Genetics (formerly Invitae), Labcorp
Classification: Uncertain significance for Ataxia-telangiectasia syndrome. Last evaluated: 2025-07-22. Review status: criteria provided, single submitter. Criteria: Invitae Variant Classification Sherloc (09022015). Collection method: clinical testing. Allele origin: germline.
Comment: This sequence change replaces proline, which is neutral and non-polar, with leucine, which is neutral and non-polar, at codon 597 of the ATM protein (p.Pro597Leu). This variant is present in population databases (rs765847854, gnomAD 0.002%). This variant has not been reported in the literature in individuals affected with ATM-related conditions. ClinVar contains an entry for this variant (Variation ID: 422797). Invitae Evidence Modeling of protein sequence and biophysical properties (such as structural, functional, and spatial information, amino acid conservation, physicochemical variation, residue mobility, and thermodynamic stability) indicates that this missense variant is not expected to disrupt ATM protein function with a negative predictive value of 95%. Algorithms developed to predict the effect of sequence changes on RNA splicing suggest that this variant may disrupt the consensus splice site. In summary, the available evidence is currently insufficient to determine the role of this variant in disease. Therefore, it has been classified as a Variant of Uncertain Significance.

Color Diagnostics, LLC DBA Color Health
Classification: Likely benign for Hereditary cancer-predisposing syndrome. Last evaluated: 2025-06-17. Review status: criteria provided, single submitter. Criteria: ACMG Guidelines, 2015. Collection method: clinical testing. Allele origin: germline.

GeneDx
Classification: Uncertain significance. Last evaluated: 2023-05-19. Review status: criteria provided, single submitter. Criteria: GeneDx Variant Classification Process June 2021. Collection method: clinical testing. Allele origin: germline. Affected: yes.
Comment: Not observed at significant frequency in large population cohorts (gnomAD); In silico analysis supports that this missense variant has a deleterious effect on protein structure/function; Observed in an individual with a personal and/or family history of pancreatic cancer (Chaffee et al., 2018); This variant is associated with the following publications: (PMID: 32098966, 31141692, 28726808)

Ambry Genetics
Classification: Uncertain significance for Hereditary cancer-predisposing syndrome. Last evaluated: 2023-04-24. Review status: criteria provided, single submitter. Criteria: Ambry Variant Classification Scheme 2023. Collection method: clinical testing. Allele origin: germline.
Comment: The p.P597L variant (also known as c.1790C>T), located in coding exon 10 of the ATM gene, results from a C to T substitution at nucleotide position 1790. The proline at codon 597 is replaced by leucine, an amino acid with similar properties. This alteration has been identified in an individual with pancreatic ductal adenocarcinoma (Chaffee KG et al. Genet. Med., 2018 01;20:119-127). This amino acid position is highly conserved in available vertebrate species. In addition, the in silico prediction for this alteration is inconclusive. Since supporting evidence is limited at this time, the clinical significance of this alteration remains unclear.

Natera, Inc.
Classification: Uncertain significance for Ataxia-telangiectasia. Last evaluated: 2021-06-08. Review status: no assertion criteria provided. Collection method: clinical testing. Allele origin: germline. Not counted in ClinVar's aggregate classification.

Literature cited by the submitters: PubMed 28726808 (cited by Ambry Genetics).